The following is an entry in ClinVar:

NM_004817.4(TJP2):c.3495G>A (p.Glu1165=)

Gene: TJP2 (tight junction protein 2; plus strand). Cytogenetic location: 9q21.11.
Variant type: single nucleotide variant.
Coding change: c.3495G>A on transcript NM_004817.4 (MANE Select); coding-DNA position 3495, G replaced by A.
Protein change: p.Glu1165=; no amino-acid change (glutamic acid 1165 retained).
Molecular consequence: synonymous variant.
Genome position (GRCh38, 1-based): chr9:69,254,296, G>A. VCF-style: chr9-69254296-G-A. GRCh37 (hg19) VCF-style: chr9-71869212-G-A.
Other names: p.Glu1165=; c.3396G>A, p.Glu1132= (NM_001170415.1); c.3588G>A, p.Glu1196= (NM_001170416.2); c.3420G>A, p.Glu1140= (NM_001369870.1); c.3426G>A, p.Glu1142= (NM_001369871.1); c.3384G>A, p.Glu1128= (NM_001369872.1); c.3171G>A, p.Glu1057= (NM_001369873.1); c.3066G>A, p.Glu1022= (NM_001369874.1); and 3 more.
Identifiers: ClinVar variation 44099 (VCV000044099.18), dbSNP rs111595785, ClinGen allele CA133564.
Genomic context (GRCh38, chr9:69,254,296, plus strand): 5'-TCCTTCCAGACCTTATCAGGATACCAGAGGAAGTTATGGCAGTGATGCCGAGGAGGAGGA[G>A]TACCGCCAGCAGCTGTCAGAACACTCCAAGCGCGGTTACTATGGCCAGTCTGCCCGATAC-3'
Protein context (NP_004808.2, residues 1155-1175): GSYGSDAEEE[Glu1165=]YRQQLSEHSK

ClinVar aggregate classification (germline): Benign. Review status: criteria provided, multiple submitters, no conflicts (2 of 4 stars). 6 submissions from 6 submitters: Benign (6). Last evaluated 2026-02-01.

Allele frequency attached by ClinVar (database versions not stated): 1000 Genomes Project 0.00459; 1000 Genomes Project 30x 0.00468; gnomAD exomes 0.00472 and 0.00504; ExAC 0.00476; TOPMed 0.00793; gnomAD 0.00796 and 0.00843; ESP Exome Variant Server 0.00830.
gnomAD v4.1: 8,148 of 1,614,244 alleles (0.5%); highest among the groups gnomAD compares: African/African-American, 1.7%; 46 homozygotes.

Submissions (6):

Labcorp Genetics (formerly Invitae), Labcorp
Classification: Benign. Last evaluated: 2026-02-01. Review status: criteria provided, single submitter. Criteria: Invitae Variant Classification Sherloc (09022015). Collection method: clinical testing. Allele origin: germline.

Mayo Clinic Laboratories, Mayo Clinic
Classification: Benign. Last evaluated: 2024-05-22. Review status: criteria provided, single submitter. Criteria: ACMG Guidelines, 2015. Collection method: clinical testing. Allele origin: germline. Observed: 4 variant alleles.
Comment: BA1, BP4, BP7

GeneDx
Classification: Benign. Last evaluated: 2018-09-04. Review status: criteria provided, single submitter. Criteria: GeneDx Variant Classification Process June 2021. Collection method: clinical testing. Allele origin: germline. Affected: yes.

Laboratory for Molecular Medicine, Mass General Brigham Personalized Medicine
Classification: Benign. Last evaluated: 2012-05-07. Review status: criteria provided, single submitter. Criteria: LMM Criteria. Collection method: clinical testing. Allele origin: germline. Observed: 9 variant alleles.
Comment: "Glu995Glu in Exon 22 of TJP2: This variant is not expected to have clinical sig nificance because it does not alter an amino acid residue, is not located within the splice consensus sequence, and has been identified in 1.4% (54/3738) of Afr ican American chromosomes from a broad population by the NHLBI Exome Sequencing Project (dbSNP rs111595785)."

Breakthrough Genomics
Classification: Benign. Review status: criteria provided, single submitter. Criteria: ACMG Guidelines, 2015. Collection method: not provided. Allele origin: germline. Inheritance: Autosomal recessive inheritance. Affected: yes.

PreventionGenetics, part of Exact Sciences
Classification: Benign. Review status: criteria provided, single submitter. Criteria: ACMG Guidelines, 2015. Collection method: clinical testing. Allele origin: germline.